The following is an entry in ClinVar:

NM_212482.4(FN1):c.547+18C>G

Gene: FN1 (fibronectin 1; minus strand). Cytogenetic location: 2q35.
Variant type: single nucleotide variant.
Coding change: c.547+18C>G on transcript NM_212482.4 (MANE Select); 18 bases into the intron after coding-DNA position 547, C replaced by G.
Molecular consequence: intron variant.
Genome position (GRCh38, 1-based): chr2:215,431,815, G>C on the plus strand (C>G on the coding strand, the complement: FN1 is on the minus strand). VCF-style: chr2-215431815-G-C. GRCh37 (hg19) VCF-style: chr2-216296538-G-C.
Other names: c.547+18C>G (NM_212474.3, NM_001306132.2, NM_001365523.2 and 14 more transcripts).
Identifiers: ClinVar variation 3012765 (VCV003012765.3), dbSNP rs1035465422, ClinGen allele CA64836819.

ClinVar aggregate classification (germline): Uncertain significance (1 of 4 stars; one submission).

Allele frequency attached by ClinVar (database versions not stated): TOPMed below 0.00001; gnomAD 0.00001; gnomAD exomes 0.00001.
gnomAD v4.1: 14 of 1,613,744 alleles (0.00087%); highest among the groups gnomAD compares: Non-Finnish European, 0.0011%; no homozygotes.

Submission:

Labcorp Genetics (formerly Invitae), Labcorp
Classification: Uncertain significance. Last evaluated: 2023-01-25. Review status: criteria provided, single submitter. Criteria: Invitae Variant Classification Sherloc (09022015). Collection method: clinical testing. Allele origin: germline.
Comment: In summary, the available evidence is currently insufficient to determine the role of this variant in disease. Therefore, it has been classified as a Variant of Uncertain Significance. Algorithms developed to predict the effect of sequence changes on RNA splicing suggest that this variant may create or strengthen a splice site. This variant has not been reported in the literature in individuals affected with FN1-related conditions. This variant is present in population databases (no rsID available, gnomAD 0.0009%). This sequence change falls in intron 4 of the FN1 gene. It does not directly change the encoded amino acid sequence of the FN1 protein.